The following is an entry in ClinVar:

NM_017849.4(TMEM127):c.517T>A (p.Phe173Ile)

Gene: TMEM127 (transmembrane protein 127; minus strand). Cytogenetic location: 2q11.2.
Variant type: single nucleotide variant.
Coding change: c.517T>A on transcript NM_017849.4 (MANE Select); coding-DNA position 517, T replaced by A.
Protein change: p.Phe173Ile; replaces phenylalanine 173 with isoleucine.
Molecular consequence: missense variant.
Genome position (GRCh38, 1-based): chr2:96,254,008, A>T on the plus strand (T>A on the coding strand, the complement: TMEM127 is on the minus strand). VCF-style: chr2-96254008-A-T. GRCh37 (hg19) VCF-style: chr2-96919746-A-T.
Other names: c.517T>A, p.Phe173Ile (NM_001193304.3); c.265T>A, p.Phe89Ile (NM_001407282.1, NM_001407283.1); short protein forms F173I, F89I.
Identifiers: ClinVar variation 3969902 (VCV003969902.1).

ClinVar aggregate classification (germline): Uncertain significance (1 of 4 stars; one submission).

Conditions:
Hereditary cancer-predisposing syndrome. Also called: Tumor predisposition; Hereditary neoplastic syndrome; Hereditary Cancer Syndrome; Neoplastic Syndromes, Hereditary. Identifiers: Orphanet 140162, MedGen C0027672, MeSH D009386, MONDO:0015356.

Submission:

Ambry Genetics
Classification: Uncertain significance for Hereditary cancer-predisposing syndrome. Last evaluated: 2025-04-05. Review status: criteria provided, single submitter. Criteria: Ambry Variant Classification Scheme 2023. Collection method: clinical testing. Allele origin: germline.
Comment: The p.F173I variant (also known as c.517T>A), located in coding exon 3 of the TMEM127 gene, results from a T to A substitution at nucleotide position 517. The phenylalanine at codon 173 is replaced by isoleucine, an amino acid with highly similar properties. This amino acid position is conserved. In addition, this alteration is predicted to be deleterious by in silico analysis. Based on the available evidence, the clinical significance of this variant remains unclear.